The following is an entry in ClinVar:

ClinVar aggregate classification (germline): Likely benign. Review status: criteria provided, multiple submitters, no conflicts (2 of 4 stars). 2 submissions from 2 submitters: Likely benign (2). Last evaluated 2024-07-01.

Conditions:
Dyskeratosis congenita. Identifiers: Orphanet 1775, MedGen C0265965, MONDO:0015780.

Allele frequency attached by ClinVar (database versions not stated): gnomAD 0.00001.
gnomAD v4.1: 1 of 1,614,040 alleles (0.000062%); highest among the groups gnomAD compares: African/African-American, 0.0013%; no homozygotes.

Submissions (2):

CeGaT Center for Human Genetics Tuebingen
Classification: Likely benign. Last evaluated: 2024-07-01. Review status: criteria provided, single submitter. Criteria: CeGaT Center For Human Genetics Tuebingen Variant Classification Criteria Version 2. Collection method: clinical testing. Allele origin: germline. Affected: yes. Observed: 1 variant allele.
Comment: TERT: BP4, BP7

Ambry Genetics
Classification: Likely benign for Dyskeratosis congenita. Last evaluated: 2021-04-15. Review status: criteria provided, single submitter. Criteria: Ambry Variant Classification Scheme 2023. Collection method: clinical testing. Allele origin: germline.

NM_198253.3(TERT):c.1653G>T (p.Val551=)

Gene: TERT (telomerase reverse transcriptase; minus strand). Cytogenetic location: 5p15.33.
Variant type: single nucleotide variant.
Coding change: c.1653G>T on transcript NM_198253.3 (MANE Select); coding-DNA position 1653, G replaced by T.
Protein change: p.Val551=; no amino-acid change (valine 551 retained).
Molecular consequence: synonymous variant. On other transcripts: non-coding transcript variant (2).
Genome position (GRCh38, 1-based): chr5:1,282,545, C>A on the plus strand (G>T on the coding strand, the complement: TERT is on the minus strand). VCF-style: chr5-1282545-C-A. GRCh37 (hg19) VCF-style: chr5-1282660-C-A.
Other names: c.1653G>T, p.Val551= (NM_001193376.3, NM_003219.1).
Identifiers: ClinVar variation 1777303 (VCV001777303.19), dbSNP rs1487526976, ClinGen allele CA443026017.